The following is an entry in ClinVar:

NM_004281.4(BAG3):c.530_531del (p.Ala176_Ser177insTer)

Gene: BAG3 (BAG cochaperone 3; plus strand). Cytogenetic location: 10q26.11.
Variant type: Microsatellite.
Coding change: c.530_531del on transcript NM_004281.4 (MANE Select); coding-DNA positions 530 to 531, 2 bases deleted (CT; older notation c.530_531delCT).
Protein change: p.Ala176_Ser177insTer.
Molecular consequence: nonsense.
Genome position (GRCh38, 1-based): chr10:119,672,277-119,672,278, CT deleted; deleting any 2 consecutive bases within chr10:119,672,275-119,672,278 gives the same sequence; the c. name uses the placement nearest the transcript's 3' end. VCF-style (leftmost placement, unchanged base first): chr10-119672274-CCT-C. GRCh37 (hg19) VCF-style: chr10-121431786-CCT-C.
Identifiers: ClinVar variation 1075572 (VCV001075572.7), dbSNP rs2134064943, ClinGen allele CA2580616877.
Genomic context (GRCh38, chr10:119,672,274, plus strand): 5'-TCATTTGTGGGGTCATGCCCTCTACCCTGTGTCTCTTGCAGCGGTCCCAGTCTCCAGCTG[CCT>C]CTGACTGCTCATCCTCATCCTCCTCGGCCAGCCTGCCTTCCTCCGGCAGGAGCAGCCTGG-3'

ClinVar aggregate classification (germline): Pathogenic (1 of 4 stars; one submission).

Conditions:
Myofibrillar myopathy 6. Identifiers: Orphanet 199340, MedGen C2751831, MONDO:0013061, OMIM 612954.
Dilated cardiomyopathy 1HH (CMD1HH). Identifiers: Orphanet 154, MedGen C3151293, MONDO:0013479, OMIM 613881.

Submission:

Labcorp Genetics (formerly Invitae), Labcorp
Classification: Pathogenic for Dilated cardiomyopathy 1HH; Myofibrillar myopathy 6. Last evaluated: 2020-05-15. Review status: criteria provided, single submitter. Criteria: Invitae Variant Classification Sherloc (09022015). Collection method: clinical testing. Allele origin: germline.
Comment: For these reasons, this variant has been classified as Pathogenic. Loss-of-function variants in BAG3 are known to be pathogenic (PMID: 21353195, 25008357). This variant has not been reported in the literature in individuals with BAG3-related conditions. This variant is not present in population databases (ExAC no frequency). This sequence change creates a premature translational stop signal (p.Ser177*) in the BAG3 gene. It is expected to result in an absent or disrupted protein product.

Literature cited by the submitters: PubMed 21353195; PubMed 25008357.